The following is an entry in ClinVar:

ClinVar aggregate classification (germline): Uncertain significance (1 of 4 stars; one submission).

Conditions:
Hereditary cancer-predisposing syndrome. Also called: Neoplastic Syndromes, Hereditary; Tumor predisposition; Hereditary neoplastic syndrome; Hereditary Cancer Syndrome. Identifiers: Orphanet 140162, MedGen C0027672, MeSH D009386, MONDO:0015356.

Submission:

Ambry Genetics
Classification: Uncertain significance for Hereditary cancer-predisposing syndrome. Last evaluated: 2023-11-14. Review status: criteria provided, single submitter. Criteria: Ambry Variant Classification Scheme 2023. Collection method: clinical testing. Allele origin: germline.
Comment: The p.Q306R variant (also known as c.917A>G), located in coding exon 8 of the MRE11A gene, results from an A to G substitution at nucleotide position 917. The glutamine at codon 306 is replaced by arginine, an amino acid with highly similar properties. This amino acid position is conserved. In addition, this alteration is predicted to be tolerated by in silico analysis. Since supporting evidence is limited at this time, the clinical significance of this alteration remains unclear.

NM_005591.4(MRE11):c.917A>G (p.Gln306Arg)

Gene: MRE11 (MRE11 double strand break repair nuclease; minus strand). Cytogenetic location: 11q21.
Variant type: single nucleotide variant.
Coding change: c.917A>G on transcript NM_005591.4 (MANE Select); coding-DNA position 917, A replaced by G.
Protein change: p.Gln306Arg; replaces glutamine 306 with arginine.
Molecular consequence: missense variant.
Genome position (GRCh38, 1-based): chr11:94,470,571, T>C on the plus strand (A>G on the coding strand, the complement: MRE11 is on the minus strand). VCF-style: chr11-94470571-T-C. GRCh37 (hg19) VCF-style: chr11-94203737-T-C.
Other names: c.917A>G, p.Gln306Arg (NM_001330347.2, NM_005590.4); short protein forms Q306R.
Identifiers: ClinVar variation 3224871 (VCV003224871.1), dbSNP rs2496483996, ClinGen allele CA382374484.